The following is an entry in ClinVar:

ClinVar aggregate classification (germline): Uncertain significance. Review status: criteria provided, multiple submitters, no conflicts (2 of 4 stars). 2 submissions from 2 submitters: Uncertain significance (2). Last evaluated 2025-06-30.

Conditions:
Inborn genetic diseases. Identifiers: MedGen C0950123, MeSH D030342.

Allele frequency attached by ClinVar (database versions not stated): ESP Exome Variant Server 0.00008; ExAC 0.00009; gnomAD 0.00011; TOPMed 0.00012.
gnomAD v4.1: 96 of 1,612,650 alleles (0.006%); highest among the groups gnomAD compares: Middle Eastern, 0.033%; no homozygotes.

Submissions (2):

Ambry Genetics
Classification: Uncertain significance for Inborn genetic diseases. Last evaluated: 2025-06-30. Review status: criteria provided, single submitter. Criteria: Ambry Variant Classification Scheme 2023. Collection method: clinical testing. Allele origin: germline.

Labcorp Genetics (formerly Invitae), Labcorp
Classification: Uncertain significance. Last evaluated: 2022-06-01. Review status: criteria provided, single submitter. Criteria: Invitae Variant Classification Sherloc (09022015). Collection method: clinical testing. Allele origin: germline.
Comment: This sequence change replaces alanine, which is neutral and non-polar, with threonine, which is neutral and polar, at codon 312 of the TBC1D20 protein (p.Ala312Thr). This variant is present in population databases (rs374303724, gnomAD 0.02%). This variant has not been reported in the literature in individuals affected with TBC1D20-related conditions. Algorithms developed to predict the effect of missense changes on protein structure and function (SIFT, PolyPhen-2, Align-GVGD) all suggest that this variant is likely to be tolerated. In summary, the available evidence is currently insufficient to determine the role of this variant in disease. Therefore, it has been classified as a Variant of Uncertain Significance.

NM_144628.4(TBC1D20):c.934G>A (p.Ala312Thr)

Gene: TBC1D20 (TBC1 domain family member 20; minus strand). Cytogenetic location: 20p13.
Variant type: single nucleotide variant.
Coding change: c.934G>A on transcript NM_144628.4 (MANE Select); coding-DNA position 934, G replaced by A.
Protein change: p.Ala312Thr; replaces alanine 312 with threonine.
Molecular consequence: missense variant. On other transcripts: non-coding transcript variant (1).
Genome position (GRCh38, 1-based): chr20:439,130, C>T on the plus strand (G>A on the coding strand, the complement: TBC1D20 is on the minus strand). VCF-style: chr20-439130-C-T. GRCh37 (hg19) VCF-style: chr20-419774-C-T.
Other names: c.934G>A (NM_144628.2); short protein forms A312T.
Identifiers: ClinVar variation 2168440 (VCV002168440.4), dbSNP rs374303724, ClinGen allele CA9723505.